The following is an entry in ClinVar:

ClinVar aggregate classification (germline): Likely benign. Review status: criteria provided, multiple submitters, no conflicts (2 of 4 stars). 5 submissions from 5 submitters: Likely benign (4). 1 of the submissions does not count toward it. Last evaluated 2026-10-01.

Conditions:
Polyglandular autoimmune syndrome, type 1 (APS1). Also called: HYPOADRENOCORTICISM WITH HYPOPARATHYROIDISM AND SUPERFICIAL MONILIASIS; PGA I; Whitaker syndrome; Autoimmune polyendocrinopathy syndrome , type I, with or without reversible metaphyseal dysplasia; AUTOIMMUNE POLYENDOCRINE SYNDROME, TYPE I, WITH OR WITHOUT REVERSIBLE METAPHYSEAL DYSPLASIA; APS I. Identifiers: Orphanet 3453, MedGen C0085859, MONDO:0009411, OMIM 240300.

Allele frequency attached by ClinVar (database versions not stated): gnomAD exomes 0.00004 and 0.00006; ExAC 0.00006; gnomAD 0.00014 and 0.00015; TOPMed 0.00022.
gnomAD v4.1: 82 of 1,612,506 alleles (0.0051%); highest among the groups gnomAD compares: Admixed American, 0.042%; no homozygotes.

Submissions (5):

CeGaT Center for Human Genetics Tuebingen
Classification: Likely benign. Last evaluated: 2026-10-01. Review status: criteria provided, single submitter. Criteria: CeGaT Center For Human Genetics Tuebingen Variant Classification Criteria Version 2. Collection method: clinical testing. Allele origin: germline. Affected: yes. Observed: 1 variant allele.
Comment: AIRE: BP4, BP7

Labcorp Genetics (formerly Invitae), Labcorp
Classification: Likely benign for Polyglandular autoimmune syndrome, type 1. Last evaluated: 2026-01-26. Review status: criteria provided, single submitter. Criteria: Invitae Variant Classification Sherloc (09022015). Collection method: clinical testing. Allele origin: germline.

Blueprint Genetics
Classification: Likely benign. Last evaluated: 2024-09-06. Review status: criteria provided, single submitter. Criteria: ACMG Guidelines, 2015. Collection method: clinical testing. Allele origin: germline.

Breakthrough Genomics
Classification: Likely benign. Review status: criteria provided, single submitter. Criteria: ACMG Guidelines, 2015. Collection method: not provided. Allele origin: germline. Inheritance: Autosomal recessive inheritance. Affected: yes.

Natera, Inc.
Classification: Uncertain significance for Polyglandular autoimmune syndrome type 1. Last evaluated: 2019-10-28. Review status: no assertion criteria provided. Collection method: clinical testing. Allele origin: germline. Not counted in ClinVar's aggregate classification.

NM_000383.4(AIRE):c.600G>A (p.Pro200=)

Gene: AIRE (autoimmune regulator; plus strand). Cytogenetic location: 21q22.3.
Variant type: single nucleotide variant.
Coding change: c.600G>A on transcript NM_000383.4 (MANE Select); coding-DNA position 600, G replaced by A.
Protein change: p.Pro200=; no amino-acid change (proline 200 retained).
Molecular consequence: synonymous variant.
Genome position (GRCh38, 1-based): chr21:44,288,406, G>A. VCF-style: chr21-44288406-G-A. GRCh37 (hg19) VCF-style: chr21-45708289-G-A.
Identifiers: ClinVar variation 528306 (VCV000528306.11), dbSNP rs754331960, ClinGen allele CA10051638.